The following is an entry in ClinVar:

NM_021098.3(CACNA1H):c.2990C>T (p.Ala997Val)

Gene: CACNA1H (calcium voltage-gated channel subunit alpha1 H; plus strand). Cytogenetic location: 16p13.3.
Variant type: single nucleotide variant.
Coding change: c.2990C>T on transcript NM_021098.3 (MANE Select); coding-DNA position 2990, C replaced by T.
Protein change: p.Ala997Val; replaces alanine 997 with valine.
Molecular consequence: missense variant.
Genome position (GRCh38, 1-based): chr16:1,207,357, C>T. VCF-style: chr16-1207357-C-T. GRCh37 (hg19) VCF-style: chr16-1257357-C-T.
Other names: c.2990C>T, p.Ala997Val (NM_001005407.2); short protein forms A997V.
Identifiers: ClinVar variation 967807 (VCV000967807.13), dbSNP rs375023370, ClinGen allele CA7800540.

ClinVar aggregate classification (germline): Conflicting classifications of pathogenicity. Review status: criteria provided, conflicting classifications (1 of 4 stars). 4 submissions from 4 submitters: Uncertain significance (3); Likely benign (1). Last evaluated 2024-12-10.

Conditions:
Inborn genetic diseases. Identifiers: MedGen C0950123, MeSH D030342.
Idiopathic generalized epilepsy. Also called: Generalised epilepsy; EIG. Identifiers: MedGen C0270850, MONDO:0005579, OMIM 600669.
Hyperaldosteronism, familial, type IV (HALD4). Also called: FH IV; ALDOSTERONISM, PRIMARY, AND HYPERTENSION. Identifiers: Orphanet 642671, MedGen C4310756, MONDO:0014875, OMIM 617027.
Epilepsy, childhood absence, susceptibility to, 6. Identifiers: Orphanet 64280, MedGen C2749872, MONDO:0012763, OMIM 611942.

Allele frequency attached by ClinVar (database versions not stated): gnomAD 0.00003 and 0.00004; TOPMed 0.00006; ESP Exome Variant Server 0.00008.
gnomAD v4.1: 87 of 1,613,004 alleles (0.0054%); highest among the groups gnomAD compares: South Asian, 0.0066%; no homozygotes.

Submissions (4):

Women's Health and Genetics/Laboratory Corporation of America, LabCorp
Classification: Uncertain significance. Last evaluated: 2024-12-10. Review status: criteria provided, single submitter. Criteria: LabCorp Variant Classification Summary - May 2015. Collection method: clinical testing. Allele origin: germline.
Comment: Variant summary: CACNA1H c.2990C>T (p.Ala997Val) results in a non-conservative amino acid change located in the Ion transport domain (IPR005821) of the encoded protein sequence. Five of five in-silico tools predict a damaging effect of the variant on protein function. The variant allele was found at a frequency of 3.2e-05 in 247532 control chromosomes. The available data on variant occurrences in the general population are insufficient to allow any conclusion about variant significance. To our knowledge, no occurrence of c.2990C>T in individuals affected with Idiopathic Generalized Epilepsy and no experimental evidence demonstrating its impact on protein function have been reported. ClinVar contains an entry for this variant (Variation ID: 967807). Based on the evidence outlined above, the variant was classified as uncertain significance.

Ambry Genetics
Classification: Uncertain significance for Inborn genetic diseases. Last evaluated: 2024-10-26. Review status: criteria provided, single submitter. Criteria: Ambry Variant Classification Scheme 2023. Collection method: clinical testing. Allele origin: germline.

Labcorp Genetics (formerly Invitae), Labcorp
Classification: Uncertain significance for Idiopathic generalized epilepsy; Hyperaldosteronism, familial, type IV. Last evaluated: 2024-08-12. Review status: criteria provided, single submitter. Criteria: Invitae Variant Classification Sherloc (09022015). Collection method: clinical testing. Allele origin: germline.
Comment: This sequence change replaces alanine, which is neutral and non-polar, with valine, which is neutral and non-polar, at codon 997 of the CACNA1H protein (p.Ala997Val). This variant is present in population databases (rs375023370, gnomAD 0.008%). This variant has not been reported in the literature in individuals affected with CACNA1H-related conditions. ClinVar contains an entry for this variant (Variation ID: 967807). Advanced modeling of protein sequence and biophysical properties (such as structural, functional, and spatial information, amino acid conservation, physicochemical variation, residue mobility, and thermodynamic stability) performed at Invitae indicates that this missense variant is expected to disrupt CACNA1H protein function with a positive predictive value of 80%. In summary, the available evidence is currently insufficient to determine the role of this variant in disease. Therefore, it has been classified as a Variant of Uncertain Significance.

Fulgent Genetics
Classification: Likely benign for Epilepsy, childhood absence, susceptibility to, 6; Hyperaldosteronism, familial, type IV. Last evaluated: 2024-04-20. Review status: criteria provided, single submitter. Criteria: ACMG Guidelines, 2015. Collection method: clinical testing. Allele origin: germline.